The following is an entry in ClinVar:

NM_001278716.2(FBXL4):c.1137C>T (p.Arg379=)

Gene: FBXL4 (F-box and leucine rich repeat protein 4; minus strand). Cytogenetic location: 6q16.1.
Variant type: single nucleotide variant.
Coding change: c.1137C>T on transcript NM_001278716.2 (MANE Select); coding-DNA position 1137, C replaced by T.
Protein change: p.Arg379=; no amino-acid change (arginine 379 retained).
Molecular consequence: synonymous variant. On other transcripts: non-coding transcript variant (2).
Genome position (GRCh38, 1-based): chr6:98,899,448, G>A on the plus strand (C>T on the coding strand, the complement: FBXL4 is on the minus strand). VCF-style: chr6-98899448-G-A. GRCh37 (hg19) VCF-style: chr6-99347324-G-A.
Other names: c.1137C>T, p.Arg379= (NM_012160.5).
Identifiers: ClinVar variation 745815 (VCV000745815.9), dbSNP rs895469467, ClinGen allele CA16021121.

ClinVar aggregate classification (germline): Likely benign. Review status: criteria provided, multiple submitters, no conflicts (2 of 4 stars). 3 submissions from 3 submitters: Likely benign (2). 1 of the submissions does not count toward it. Last evaluated 2026-01-24.

Conditions:
FBXL4-related disorder. Also called: FBXL4-related condition.

Allele frequency attached by ClinVar (database versions not stated): gnomAD exomes 0.00001; TOPMed 0.00001.
gnomAD v4.1: 16 of 1,613,780 alleles (0.00099%); highest among the groups gnomAD compares: South Asian, 0.0022%; no homozygotes.

Submissions (3):

Labcorp Genetics (formerly Invitae), Labcorp
Classification: Likely benign. Last evaluated: 2026-01-24. Review status: criteria provided, single submitter. Criteria: Invitae Variant Classification Sherloc (09022015). Collection method: clinical testing. Allele origin: germline.

Blueprint Genetics
Classification: Likely benign. Last evaluated: 2024-11-01. Review status: criteria provided, single submitter. Criteria: ACMG Guidelines, 2015. Collection method: clinical testing. Allele origin: germline.

PreventionGenetics, part of Exact Sciences
Classification: Likely benign for FBXL4-related condition. Last evaluated: 2021-10-16. Review status: no assertion criteria provided. Collection method: clinical testing. Allele origin: germline. Not counted in ClinVar's aggregate classification.
Comment: This variant is classified as likely benign based on ACMG/AMP sequence variant interpretation guidelines (Richards et al. 2015 PMID: 25741868, with internal and published modifications).